The following is an entry in ClinVar:

NM_000807.4(GABRA2):c.1259T>C (p.Met420Thr)

Gene: GABRA2 (gamma-aminobutyric acid type A receptor subunit alpha2; minus strand). Cytogenetic location: 4p12.
Variant type: single nucleotide variant.
Coding change: c.1259T>C on transcript NM_000807.4 (MANE Select); coding-DNA position 1259, T replaced by C.
Protein change: p.Met420Thr; replaces methionine 420 with threonine.
Molecular consequence: missense variant.
Genome position (GRCh38, 1-based): chr4:46,250,405, A>G on the plus strand (T>C on the coding strand, the complement: GABRA2 is on the minus strand). VCF-style: chr4-46250405-A-G. GRCh37 (hg19) VCF-style: chr4-46252422-A-G.
Other names: c.1259T>C, p.Met420Thr (NM_001114175.3, NM_001377146.1, NM_001377147.1 and 4 more transcripts); c.1274T>C, p.Met425Thr (NM_001286827.3); c.1439T>C, p.Met480Thr (NM_001330690.2, NM_001377144.1, NM_001377145.1); c.1094T>C, p.Met365Thr (NM_001377152.1, NM_001377153.1, NM_001377154.1); short protein forms M365T, M420T, M425T, M480T.
Identifiers: ClinVar variation 2001728 (VCV002001728.4), dbSNP rs201873906, ClinGen allele CA2906537.

ClinVar aggregate classification (germline): Uncertain significance (1 of 4 stars; one submission).

Allele frequency attached by ClinVar (database versions not stated): ExAC 0.00001; TOPMed 0.00001.
gnomAD v4.1: 18 of 1,611,748 alleles (0.0011%); highest among the groups gnomAD compares: Non-Finnish European, 0.0015%; no homozygotes.

Submission:

Labcorp Genetics (formerly Invitae), Labcorp
Classification: Uncertain significance. Last evaluated: 2022-06-01. Review status: criteria provided, single submitter. Criteria: Invitae Variant Classification Sherloc (09022015). Collection method: clinical testing. Allele origin: germline.
Comment: In summary, the available evidence is currently insufficient to determine the role of this variant in disease. Therefore, it has been classified as a Variant of Uncertain Significance. Experimental studies and prediction algorithms are not available or were not evaluated, and the functional significance of this variant is currently unknown. This variant has not been reported in the literature in individuals affected with GABRA2-related conditions. This variant is present in population databases (rs201873906, gnomAD 0.0009%). This sequence change replaces methionine, which is neutral and non-polar, with threonine, which is neutral and polar, at codon 480 of the GABRA2 protein (p.Met480Thr).